The following is an entry in ClinVar:

ClinVar aggregate classification (germline): Uncertain significance (1 of 4 stars; one submission).

Allele frequency attached by ClinVar (database versions not stated): gnomAD 0.00001; TOPMed 0.00001.
gnomAD v4.1: 5 of 1,526,802 alleles (0.00033%); highest among the groups gnomAD compares: Non-Finnish European, 0.00044%; no homozygotes.

Submission:

GeneDx
Classification: Uncertain significance. Last evaluated: 2019-07-18. Review status: criteria provided, single submitter. Criteria: GeneDx Variant Classification Process June 2021. Collection method: clinical testing. Allele origin: germline. Affected: yes.
Comment: Not observed at a significant frequency in large population cohorts (Lek et al., 2016); In silico analysis, which includes protein predictors and evolutionary conservation, supports that this variant does not alter protein structure/function; Has not been previously published as pathogenic or benign to our knowledge

NM_022773.4(LMF1):c.16C>A (p.Pro6Thr)

Genes: LMF1 (lipase maturation factor 1; minus strand), LOC130058141 (ATAC-STARR-seq lymphoblastoid silent region 6962; plus strand). Cytogenetic location: 16p13.3.
Variant type: single nucleotide variant.
Coding change: c.16C>A on transcript NM_022773.4 (MANE Select); coding-DNA position 16, C replaced by A.
Protein change: p.Pro6Thr; replaces proline 6 with threonine.
Molecular consequence: missense variant. On other transcripts: 5 prime UTR variant (1), non-coding transcript variant (1), intron variant (3).
Genome position (GRCh38, 1-based): chr16:970,965, G>T on the plus strand (C>A on the coding strand, the complement: LMF1 is on the minus strand). VCF-style: chr16-970965-G-T. GRCh37 (hg19) VCF-style: chr16-1020965-G-T.
Other names: c.16C>A, p.Pro6Thr (NM_001352020.1); c.-690C>A (NM_001352021.2); c.-135+10180C>A (NM_001352019.2); c.-611+10180C>A (NM_001352017.2); c.-362+10180C>A (NM_001352018.2); short protein forms P6T.
Identifiers: ClinVar variation 1304818 (VCV001304818.2), dbSNP rs757588466, ClinGen allele CA7797812.